The following is an entry in ClinVar:

ClinVar aggregate classification (germline): Benign. Review status: criteria provided, multiple submitters, no conflicts (2 of 4 stars). 3 submissions from 3 submitters: Benign (2). 1 of the submissions does not count toward it. Last evaluated 2024-11-27.

Conditions:
AGMO-related disorder. Also called: AGMO-related condition.

Allele frequency attached by ClinVar (database versions not stated): gnomAD exomes 0.03648 and 0.04742; ExAC 0.04953; 1000 Genomes Project 0.06050; 1000 Genomes Project 30x 0.06371; ESP Exome Variant Server 0.06547; gnomAD 0.06966 and 0.07334; TOPMed 0.07208.
gnomAD v4.1: 63,240 of 1,581,894 alleles (4%); highest among the groups gnomAD compares: African/African-American, 13%; 1,848 homozygotes.

Submissions (3):

Blueprint Genetics
Classification: Benign. Last evaluated: 2024-11-27. Review status: criteria provided, single submitter. Criteria: ACMG Guidelines, 2015. Collection method: clinical testing. Allele origin: germline.

GeneDx
Classification: Benign. Last evaluated: 2020-11-18. Review status: criteria provided, single submitter. Criteria: GeneDx Variant Classification Process June 2021. Collection method: clinical testing. Allele origin: germline. Affected: yes.

PreventionGenetics, part of Exact Sciences
Classification: Benign for AGMO-related condition. Last evaluated: 2019-09-13. Review status: no assertion criteria provided. Collection method: clinical testing. Allele origin: germline. Not counted in ClinVar's aggregate classification.
Comment: This variant is classified as benign based on ACMG/AMP sequence variant interpretation guidelines (Richards et al. 2015 PMID: 25741868, with internal and published modifications).

NM_001004320.2(AGMO):c.606A>G (p.Thr202=)

Gene: AGMO (alkylglycerol monooxygenase; minus strand). Cytogenetic location: 7p21.2.
Variant type: single nucleotide variant.
Coding change: c.606A>G on transcript NM_001004320.2 (MANE Select); coding-DNA position 606, A replaced by G.
Protein change: p.Thr202=; no amino-acid change (threonine 202 retained).
Molecular consequence: synonymous variant.
Genome position (GRCh38, 1-based): chr7:15,418,561, T>C on the plus strand (A>G on the coding strand, the complement: AGMO is on the minus strand). VCF-style: chr7-15418561-T-C. GRCh37 (hg19) VCF-style: chr7-15458186-T-C.
Identifiers: ClinVar variation 1236929 (VCV001236929.6), dbSNP rs28635514, ClinGen allele CA4168733.